The following is an entry in ClinVar:

ClinVar aggregate classification (germline): Conflicting classifications of pathogenicity. Review status: criteria provided, conflicting classifications (1 of 4 stars). 2 submissions from 2 submitters: Likely pathogenic (1); Uncertain significance (1). Last evaluated 2024-05-19.

Conditions:
Cardiovascular phenotype. Identifiers: MedGen CN230736.
Arrhythmogenic cardiomyopathy with wooly hair and keratoderma. Also called: PALMOPLANTAR KERATODERMA WITH LEFT VENTRICULAR CARDIOMYOPATHY AND WOOLLY HAIR; Carvajal syndrome; Dilated cardiomyopathy with woolly hair and keratoderma; Arrhythmogenic cardiomyopathy with woolly hair and keratoderma. Identifiers: Orphanet 65282, MedGen C1854063, MONDO:0011581, OMIM 605676.
Arrhythmogenic right ventricular dysplasia 8 (ARVD8). Also called: Arrhythmogenic Right Ventricular Dysplasia/Cardiomyopathy 8; ARRHYTHMOGENIC RIGHT VENTRICULAR DYSPLASIA, FAMILIAL, 8; ARRHYTHMOGENIC RIGHT VENTRICULAR CARDIOMYOPATHY 8. Identifiers: MedGen C1843896, MONDO:0011831, OMIM 607450.

Submissions (2):

Labcorp Genetics (formerly Invitae), Labcorp
Classification: Likely pathogenic for Arrhythmogenic cardiomyopathy with wooly hair and keratoderma; Arrhythmogenic right ventricular dysplasia 8. Last evaluated: 2024-05-19. Review status: criteria provided, single submitter. Criteria: Invitae Variant Classification Sherloc (09022015). Collection method: clinical testing. Allele origin: germline.
Comment: This sequence change affects an acceptor splice site in intron 10 of the DSP gene. It is expected to disrupt RNA splicing. Variants that disrupt the donor or acceptor splice site typically lead to a loss of protein function (PMID: 16199547), and loss-of-function variants in DSP are known to be pathogenic (PMID: 20716751, 24503780, 25227139). This variant is not present in population databases (gnomAD no frequency). Disruption of this splice site has been observed in individual(s) with clinical features of DSP-related conditions (PMID: 30453078, 31317183, 36043215). ClinVar contains an entry for this variant (Variation ID: 534305). Algorithms developed to predict the effect of sequence changes on RNA splicing suggest that this variant may disrupt the consensus splice site. In summary, the currently available evidence indicates that the variant is pathogenic, but additional data are needed to prove that conclusively. Therefore, this variant has been classified as Likely Pathogenic.

Ambry Genetics
Classification: Uncertain significance for Cardiovascular phenotype. Last evaluated: 2021-02-23. Review status: criteria provided, single submitter. Criteria: Ambry Variant Classification Scheme 2023. Collection method: clinical testing. Allele origin: germline.
Comment: The c.1267-2A>G intronic variant results from an A to G substitution two nucleotides upstream from coding exon 11 in the DSP gene. This variant has been detected in an individual from an arrhythmogenic right ventricular cardiomyopathy cohort, and an individual from a dilated cardiomyopathy cohort; however, details were limited (Poloni G et al. Heart Rhythm, 2019 05;16:773-780; Augusto JB et al. Eur Heart J Cardiovasc Imaging, 2020 Mar 1;21(3):326-336). Alterations that disrupt the canonical splice site are expected to result in aberrant splicing. In silico splice site analysis predicts that this alteration will weaken the native splice acceptor site and will result in the creation or strengthening of a novel splice acceptor site. The resulting transcript is predicted to be in-frame and is not expected to trigger nonsense-mediated mRNAdecay; however, direct evidence is unavailable. The exact functional effect of the missing amino acids is unknown. This nucleotide position is highly conserved in available vertebrate species. Since supporting evidence is limited at this time, the clinical significance of this alteration remains unclear.

Literature cited by the submitters: PubMed 16199547 (cited by Labcorp Genetics (formerly Invitae), Labcorp); PubMed 20716751 (cited by Labcorp Genetics (formerly Invitae), Labcorp); PubMed 24503780 (cited by Labcorp Genetics (formerly Invitae), Labcorp); PubMed 25227139 (cited by Labcorp Genetics (formerly Invitae), Labcorp); PubMed 30453078 (cited by Labcorp Genetics (formerly Invitae), Labcorp and Ambry Genetics); PubMed 31317183 (cited by Labcorp Genetics (formerly Invitae), Labcorp and Ambry Genetics); PubMed 36043215 (cited by Labcorp Genetics (formerly Invitae), Labcorp).

NM_004415.4(DSP):c.1267-2A>G

Gene: DSP (desmoplakin; plus strand). Cytogenetic location: 6p24.3.
Variant type: single nucleotide variant.
Coding change: c.1267-2A>G on transcript NM_004415.4 (MANE Select); the canonical splice acceptor site of the intron before coding-DNA position 1267, A replaced by G.
Molecular consequence: splice acceptor variant.
Genome position (GRCh38, 1-based): chr6:7,568,435, A>G. VCF-style: chr6-7568435-A-G. GRCh37 (hg19) VCF-style: chr6-7568668-A-G.
Other names: c.1267-2A>G (NM_001319034.2, NM_001008844.3, NM_001406591.1).
Identifiers: ClinVar variation 534305 (VCV000534305.11), dbSNP rs1554106830, ClinGen allele CA362676275.
Genomic context (GRCh38, chr6:7,568,435, plus strand): 5'-AAAATCTCCTCTAAAACTCACAGGGTATCTATGTTTAAGTATGATTTTATTCACCATTGC[A>G]GAAAGAACGAGAGAAAATCCTTGAATACAAGCGTCAGGTGCAGAACTTGGTAAACAAGTC-3'